The following is an entry in ClinVar:

ClinVar aggregate classification (germline): Uncertain significance. Review status: criteria provided, multiple submitters, no conflicts (2 of 4 stars). 2 submissions from 2 submitters: Uncertain significance (2). Last evaluated 2026-04-08.

Conditions:
Inborn genetic diseases. Identifiers: MedGen C0950123, MeSH D030342.
Myoclonic dystonia 11 (DYT11). Also called: DYT-SGCE; Myoclonic dystonia; Dystonia 11; Dystonia, alcohol responsive; Hereditary essential myoclonus; SGCE Myoclonus-Dystonia. Identifiers: Orphanet 36899, MedGen C1834570, MONDO:0008044, OMIM 159900.

Allele frequency attached by ClinVar (database versions not stated): gnomAD exomes 0.00002 and 0.00004; TOPMed 0.00002; gnomAD 0.00001; ExAC 0.00005; ESP Exome Variant Server 0.00008.
gnomAD v4.1: 38 of 1,613,280 alleles (0.0024%); highest among the groups gnomAD compares: Non-Finnish European, 0.001%; no homozygotes.

Submissions (2):

Ambry Genetics
Classification: Uncertain significance for Inborn genetic diseases. Last evaluated: 2026-04-08. Review status: criteria provided, single submitter. Criteria: Ambry Variant Classification Scheme 2023. Collection method: clinical testing. Allele origin: germline.

Labcorp Genetics (formerly Invitae), Labcorp
Classification: Uncertain significance for Myoclonic dystonia 11. Last evaluated: 2023-09-05. Review status: criteria provided, single submitter. Criteria: Invitae Variant Classification Sherloc (09022015). Collection method: clinical testing. Allele origin: germline.
Comment: This sequence change replaces leucine, which is neutral and non-polar, with serine, which is neutral and polar, at codon 295 of the SGCE protein (p.Leu295Ser). This variant is present in population databases (rs142079200, gnomAD 0.05%). This variant has not been reported in the literature in individuals affected with SGCE-related conditions. ClinVar contains an entry for this variant (Variation ID: 1355127). Advanced modeling of protein sequence and biophysical properties (such as structural, functional, and spatial information, amino acid conservation, physicochemical variation, residue mobility, and thermodynamic stability) performed at Invitae indicates that this missense variant is not expected to disrupt SGCE protein function. In summary, the available evidence is currently insufficient to determine the role of this variant in disease. Therefore, it has been classified as a Variant of Uncertain Significance.

NM_003919.3(SGCE):c.884T>C (p.Leu295Ser)

Genes: CASD1 (CAS1 domain sialic acid O acetyltransferase 1; plus strand), SGCE (sarcoglycan epsilon; minus strand). Cytogenetic location: 7q21.3.
Variant type: single nucleotide variant.
Coding change: c.884T>C on transcript NM_003919.3 (MANE Select); coding-DNA position 884, T replaced by C.
Protein change: p.Leu295Ser; replaces leucine 295 with serine.
Molecular consequence: missense variant.
Genome position (GRCh38, 1-based): chr7:94,600,799, A>G on the plus strand (T>C on the coding strand, the complement: SGCE is on the minus strand). VCF-style: chr7-94600799-A-G. GRCh37 (hg19) VCF-style: chr7-94230111-A-G.
Other names: c.611T>C, p.Leu204Ser (NM_001346720.2, NM_001362808.2); c.797T>C, p.Leu266Ser (NM_001362807.2, NM_001346719.2); c.761T>C, p.Leu254Ser (NM_001362809.2, NM_001301139.2); c.884T>C, p.Leu295Ser (NM_001099400.2, NM_001099401.2, NM_001346717.2); c.992T>C, p.Leu331Ser (NM_001346713.2, NM_001346715.2); c.884T>C (NM_003919.2); short protein forms L295S, L331S, L254S, L204S, L266S.
Identifiers: ClinVar variation 1355127 (VCV001355127.7), dbSNP rs142079200, ClinGen allele CA4348695.